The following is an entry in ClinVar:

ClinVar aggregate classification (germline): Uncertain significance (1 of 4 stars; one submission).

Allele frequency attached by ClinVar (database versions not stated): gnomAD 0.00001; gnomAD exomes 0.00001 and 0.00002; TOPMed 0.00003.

Submission:

GeneDx
Classification: Uncertain significance. Last evaluated: 2022-02-04. Review status: criteria provided, single submitter. Criteria: GeneDx Variant Classification Process June 2021. Collection method: clinical testing. Allele origin: germline. Affected: yes.
Comment: Not observed at significant frequency in large population cohorts (gnomAD); In silico analysis supports that this missense variant does not alter protein structure/function; Has not been previously published as pathogenic or benign to our knowledge

NM_015937.6(PIGT):c.700A>G (p.Ile234Val)

Gene: PIGT (phosphatidylinositol glycan anchor biosynthesis class T; plus strand). Cytogenetic location: 20q13.12.
Variant type: single nucleotide variant.
Coding change: c.700A>G on transcript NM_015937.6 (MANE Select); coding-DNA position 700, A replaced by G.
Protein change: p.Ile234Val; replaces isoleucine 234 with valine.
Molecular consequence: missense variant. On other transcripts: non-coding transcript variant (5).
Genome position (GRCh38, 1-based): chr20:45,420,154, A>G. VCF-style: chr20-45420154-A-G. GRCh37 (hg19) VCF-style: chr20-44048794-A-G.
Other names: c.532A>G, p.Ile178Val (NM_001184728.3); c.700A>G, p.Ile234Val (NM_001184729.3); c.394A>G, p.Ile132Val (NM_001184730.3); short protein forms I132V, I178V, I234V.
Identifiers: ClinVar variation 1700539 (VCV001700539.2), dbSNP rs1375248051, ClinGen allele CA409167267.
Genomic context (GRCh38, chr20:45,420,154, plus strand): 5'-GAGTGATACCCCCTCACTGCTGCCATCTGGCCCTTGTGATAGAATGCACGCTGTACTAGC[A>G]TCTCCTGGGAGCTGAGGCAGACCCTGTCAGTTGTATTTGATGCCTTCATCACGGGGCAGG-3'
Protein context (NP_057021.2, residues 224-244): PVCRNARCTS[Ile234Val]SWELRQTLSV